The following is an entry in ClinVar:

NM_139343.3(BIN1):c.775-4G>A

Gene: BIN1 (bridging integrator 1; minus strand). Cytogenetic location: 2q14.3.
Variant type: single nucleotide variant.
Coding change: c.775-4G>A on transcript NM_139343.3 (MANE Select); 4 bases into the intron before coding-DNA position 775, G replaced by A.
Molecular consequence: intron variant.
Genome position (GRCh38, 1-based): chr2:127,062,201, C>T on the plus strand (G>A on the coding strand, the complement: BIN1 is on the minus strand). VCF-style: chr2-127062201-C-T. GRCh37 (hg19) VCF-style: chr2-127819777-C-T.
Other names: p.?; c.694-4G>A (NM_001320642.1); c.610-4G>A (NM_001320634.1); c.682-4G>A (NM_139351.3, NM_139350.3, NM_139349.3 and 6 more transcripts); c.775-4G>A (NM_001320633.2, NM_139345.3, NM_139344.3 and 1 more transcripts).
Identifiers: ClinVar variation 158019 (VCV000158019.24), dbSNP rs61748157, ClinGen allele CA171408.
Genomic context (GRCh38, chr2:127,062,201, plus strand): 5'-GTTGCTCCCGTGTTGCTTCTCCAGGCCGACCAGCACATCATTGAGGTTCTGGTTGAGCTG[C>T]AGGAGAGACAGTGAGGAGGTGGGGGGCCTCCAAGGCCACCAAACGGCCCCACCTTCCCCA-3'

ClinVar aggregate classification (germline): Benign. Review status: criteria provided, multiple submitters, no conflicts (2 of 4 stars). 9 submissions from 9 submitters: Benign (9). Last evaluated 2026-02-03.

Conditions:
Myopathy, centronuclear, 2 (CNM2). Also called: MYOTUBULAR MYOPATHY, AUTOSOMAL RECESSIVE. Identifiers: Orphanet 169186, MedGen CN031787, MONDO:0009709, OMIM 255200.

Allele frequency attached by ClinVar (database versions not stated): 1000 Genomes Project 30x 0.09603; TOPMed 0.09720; 1000 Genomes Project 0.09724; gnomAD 0.10181 and 0.10356; ESP Exome Variant Server 0.10551; gnomAD exomes 0.11305 and 0.12630; ExAC 0.15800.
gnomAD v4.1: 198,563 of 1,600,218 alleles (12%); highest among the groups gnomAD compares: South Asian, 20%; 13,473 homozygotes.

Submissions (9):

Labcorp Genetics (formerly Invitae), Labcorp
Classification: Benign for Myopathy, centronuclear, 2. Last evaluated: 2026-02-03. Review status: criteria provided, single submitter. Criteria: Invitae Variant Classification Sherloc (09022015). Collection method: clinical testing. Allele origin: germline.

Blueprint Genetics
Classification: Benign. Last evaluated: 2024-11-26. Review status: criteria provided, single submitter. Criteria: ACMG Guidelines, 2015. Collection method: clinical testing. Allele origin: germline.

Illumina Laboratory Services, Illumina
Classification: Benign for Myopathy, centronuclear, 2. Last evaluated: 2018-01-12. Review status: criteria provided, single submitter. Criteria: ICSL Variant Classification Criteria 13 December 2019. Collection method: clinical testing. Allele origin: germline.
Comment: This variant was observed in the ICSL laboratory as part of a predisposition screen in an ostensibly healthy population. It had not been previously curated by ICSL or reported in the Human Gene Mutation Database (HGMD: prior to June 1st, 2018), and was therefore a candidate for classification through an automated scoring system. Utilizing variant allele frequency, disease prevalence and penetrance estimates, and inheritance mode, an automated score was calculated to assess if this variant is too frequent to cause the disease. Based on the score and internal cut-off values, a variant classified as benign is not then subjected to further curation. The score for this variant resulted in a classification of benign for this disease.

Mayo Clinic Laboratories, Mayo Clinic
Classification: Benign. Last evaluated: 2017-10-04. Review status: criteria provided, single submitter. Criteria: ACMG Guidelines, 2015. Collection method: clinical testing. Allele origin: germline. Observed: 197 variant alleles.

GeneDx
Classification: Benign. Last evaluated: 2016-02-10. Review status: criteria provided, single submitter. Criteria: GeneDx Variant Classification (06012015). Collection method: clinical testing. Allele origin: germline. Affected: yes.
Comment: This variant is considered likely benign or benign based on one or more of the following criteria: it is a conservative change, it occurs at a poorly conserved position in the protein, it is predicted to be benign by multiple in silico algorithms, and/or has population frequency not consistent with disease.

Laboratory for Molecular Medicine, Mass General Brigham Personalized Medicine
Classification: Benign. Last evaluated: 2014-11-24. Review status: criteria provided, single submitter. Criteria: LMM Criteria. Collection method: clinical testing. Allele origin: germline. Observed: 3 variant alleles.
Comment: 775-4G>A in intron 9 of BIN1: This variant is not expected to have clinical sign ificance because it is not located within the conserved splice consensus sequenc e. It has been identified in 12.6% (1085/8600) of European American chromosomes from a broad population by the NHLBI Exome Sequencing Project (dbSNP rs61748157).

Genetic Services Laboratory, University of Chicago
Classification: Benign. Last evaluated: 2013-08-15. Review status: criteria provided, single submitter. Criteria: ACMG Guidelines, 2007. Collection method: clinical testing. Allele origin: germline. Inheritance: Autosomal recessive inheritance.

Breakthrough Genomics
Classification: Benign. Review status: criteria provided, single submitter. Criteria: ACMG Guidelines, 2015. Collection method: not provided. Allele origin: germline. Inheritance: Autosomal recessive inheritance. Affected: yes.

PreventionGenetics, part of Exact Sciences
Classification: Benign. Review status: criteria provided, single submitter. Criteria: ACMG Guidelines, 2015. Collection method: clinical testing. Allele origin: germline.